The following is an entry in ClinVar:

NM_005120.3(MED12):c.4254-11_4254-8del

Gene: MED12 (mediator complex subunit 12; plus strand). Cytogenetic location: Xq13.1.
Variant type: Microsatellite.
Coding change: c.4254-11_4254-8del on transcript NM_005120.3 (MANE Select); 11 bases into the intron before coding-DNA position 4254 through 8 bases into the intron before coding-DNA position 4254, 4 bases deleted (CTGT; older notation c.4254-11_4254-8delCTGT).
Molecular consequence: intron variant.
Genome position (GRCh38, 1-based): chrX:71,132,366-71,132,369, CTGT deleted; deleting any 4 consecutive bases within chrX:71,132,361-71,132,369 gives the same sequence; the c. name uses the placement nearest the transcript's 3' end. VCF-style (leftmost placement, unchanged base first): chrX-71132360-CTCTG-C. GRCh37 (hg19) VCF-style: chrX-70352210-CTCTG-C.
Identifiers: ClinVar variation 2974724 (VCV002974724.9), dbSNP rs772021255, ClinGen allele CA10444623.

ClinVar aggregate classification (germline): Likely benign. Review status: criteria provided, multiple submitters, no conflicts (2 of 4 stars). 2 submissions from 2 submitters: Likely benign (2). Last evaluated 2025-11-01.

Conditions:
FG syndrome (FGS). Identifiers: MedGen C0220769, MONDO:0002010.

Submissions (2):

CeGaT Center for Human Genetics Tuebingen
Classification: Likely benign. Last evaluated: 2025-11-01. Review status: criteria provided, single submitter. Criteria: CeGaT Center For Human Genetics Tuebingen Variant Classification Criteria Version 2. Collection method: clinical testing. Allele origin: germline. Affected: yes. Observed: 1 variant allele.
Comment: MED12: BP4, BS2

Labcorp Genetics (formerly Invitae), Labcorp
Classification: Likely benign for FG syndrome. Last evaluated: 2024-02-18. Review status: criteria provided, single submitter. Criteria: Invitae Variant Classification Sherloc (09022015). Collection method: clinical testing. Allele origin: germline.